The following is an entry in ClinVar:

NM_002485.5(NBN):c.1493C>A (p.Pro498His)

Gene: NBN (nibrin; minus strand). Cytogenetic location: 8q21.3.
Variant type: single nucleotide variant.
Coding change: c.1493C>A on transcript NM_002485.5 (MANE Select); coding-DNA position 1493, C replaced by A.
Protein change: p.Pro498His; replaces proline 498 with histidine.
Molecular consequence: missense variant.
Genome position (GRCh38, 1-based): chr8:89,953,596, G>T on the plus strand (C>A on the coding strand, the complement: NBN is on the minus strand). VCF-style: chr8-89953596-G-T. GRCh37 (hg19) VCF-style: chr8-90965824-G-T.
Other names: c.1247C>A, p.Pro416His (NM_001024688.3); short protein forms P416H, P498H.
Identifiers: ClinVar variation 2702798 (VCV002702798.3), dbSNP rs1586054351, ClinGen allele CA371655743.

ClinVar aggregate classification (germline): Uncertain significance (1 of 4 stars; one submission).

Conditions:
Microcephaly, normal intelligence and immunodeficiency (NBS). Also called: Nijmegen breakage syndrome; Microcephaly with normal intelligence immunodeficiency and lymphoreticular malignancies; Nonsyndromal microcephaly autosomal recessive with normal intelligence; Seemanova syndrome 2; BERLIN BREAKAGE SYNDROME; IMMUNODEFICIENCY, MICROCEPHALY, AND CHROMOSOMAL INSTABILITY. Identifiers: Orphanet 647, MedGen C0398791, MONDO:0009623, OMIM 251260.

Submission:

Labcorp Genetics (formerly Invitae), Labcorp
Classification: Uncertain significance for Microcephaly, normal intelligence and immunodeficiency. Last evaluated: 2023-12-22. Review status: criteria provided, single submitter. Criteria: Invitae Variant Classification Sherloc (09022015). Collection method: clinical testing. Allele origin: germline.
Comment: This sequence change replaces proline, which is neutral and non-polar, with histidine, which is basic and polar, at codon 498 of the NBN protein (p.Pro498His). This variant is not present in population databases (gnomAD no frequency). This variant has not been reported in the literature in individuals affected with NBN-related conditions. An algorithm developed to predict the effect of missense changes on protein structure and function (PolyPhen-2) suggests that this variant is likely to be disruptive. In summary, the available evidence is currently insufficient to determine the role of this variant in disease. Therefore, it has been classified as a Variant of Uncertain Significance.